The following is an entry in ClinVar:

NM_212552.3(BOLA3):c.184A>G (p.Met62Val)

Gene: BOLA3 (bolA family member 3; minus strand). Cytogenetic location: 2p13.1.
Variant type: single nucleotide variant.
Coding change: c.184A>G on transcript NM_212552.3 (MANE Select); coding-DNA position 184, A replaced by G.
Protein change: p.Met62Val; replaces methionine 62 with valine.
Molecular consequence: missense variant. On other transcripts: intron variant (1).
Genome position (GRCh38, 1-based): chr2:74,142,346, T>C on the plus strand (A>G on the coding strand, the complement: BOLA3 is on the minus strand). VCF-style: chr2-74142346-T-C. GRCh37 (hg19) VCF-style: chr2-74369473-T-C.
Other names: c.169+2843A>G (NM_001035505.2); short protein forms M62V.
Identifiers: ClinVar variation 3992384 (VCV003992384.2).

ClinVar aggregate classification (germline): Uncertain significance. Review status: criteria provided, multiple submitters, no conflicts (2 of 4 stars). 2 submissions from 2 submitters: Uncertain significance (2). Last evaluated 2026-04-23.

Conditions:
Inborn genetic diseases. Identifiers: MedGen C0950123, MeSH D030342.

Submissions (2):

GeneDx
Classification: Uncertain significance. Last evaluated: 2026-04-23. Review status: criteria provided, single submitter. Criteria: GeneDx Variant Classification Process June 2021. Collection method: clinical testing. Allele origin: germline.
Comment: Not observed at significant frequency in large population cohorts (gnomAD); In silico analysis supports that this missense variant has a deleterious effect on protein structure/function; Has not been previously published as pathogenic or benign to our knowledge

Ambry Genetics
Classification: Uncertain significance for Inborn genetic diseases. Last evaluated: 2025-06-07. Review status: criteria provided, single submitter. Criteria: Ambry Variant Classification Scheme 2023. Collection method: clinical testing. Allele origin: germline.